The following is an entry in ClinVar:

NM_033401.5(CNTNAP4):c.3028G>A (p.Val1010Met)

Gene: CNTNAP4 (contactin associated protein family member 4; plus strand). Cytogenetic location: 16q23.1.
Variant type: single nucleotide variant.
Coding change: c.3028G>A on transcript NM_033401.5 (MANE Select); coding-DNA position 3028, G replaced by A.
Protein change: p.Val1010Met; replaces valine 1010 with methionine.
Molecular consequence: missense variant. On other transcripts: non-coding transcript variant (3).
Genome position (GRCh38, 1-based): chr16:76,538,148, G>A. VCF-style: chr16-76538148-G-A. GRCh37 (hg19) VCF-style: chr16-76572045-G-A.
Other names: c.2878G>A, p.Val960Met (NM_001322178.2); c.2788G>A, p.Val930Met (NM_001322179.2); c.2641G>A, p.Val881Met (NM_001322180.2); c.3025G>A, p.Val1009Met (NM_001322181.2); c.1612G>A, p.Val538Met (NM_001322187.2); c.3028G>A, p.Val1010Met (NM_001322188.2); c.2764G>A, p.Val922Met (NM_001322189.2); c.2884G>A, p.Val962Met (NM_001322190.2); and 2 more; short protein forms V1009M, V1010M, V538M, V701M, V881M, V922M, V930M, V937M.
Identifiers: ClinVar variation 3349278 (VCV003349278.1).

ClinVar aggregate classification (germline): Likely benign (0 of 4 stars; one submission).

Conditions:
CNTNAP4-related disorder. Also called: CNTNAP4-related condition.

gnomAD v4.1: 289 of 1,576,084 alleles (0.018%); highest among the groups gnomAD compares: Middle Eastern, 0.084%; 1 homozygote.

Submission:

PreventionGenetics, part of Exact Sciences
Classification: Likely benign for CNTNAP4-related condition. Last evaluated: 2024-08-15. Review status: no assertion criteria provided. Collection method: clinical testing. Allele origin: germline.
Comment: This variant is classified as likely benign based on ACMG/AMP sequence variant interpretation guidelines (Richards et al. 2015 PMID: 25741868, with internal and published modifications).